The following is an entry in ClinVar:

ClinVar aggregate classification (germline): Uncertain significance. Review status: criteria provided, multiple submitters, no conflicts (2 of 4 stars). 2 submissions from 2 submitters: Uncertain significance (2). Last evaluated 2025-02-07.

Conditions:
Autosomal recessive congenital ichthyosis 1 (LI1). Also called: COLLODION FETUS; DESQUAMATION OF NEWBORN; ICHTHYOSIS CONGENITA; ICHTHYOSIS CONGENITA II; LAMELLAR EXFOLIATION OF NEWBORN; ICHTHYOSIS, CONGENITAL, AUTOSOMAL RECESSIVE 1, WITH BATHING SUIT DISTRIBUTION. Identifiers: MedGen C4551630, MONDO:0009441, OMIM 242300.
Inborn genetic diseases. Identifiers: MedGen C0950123, MeSH D030342.

gnomAD v4.1: 1 of 1,614,254 alleles (0.000062%); highest among the groups gnomAD compares: East Asian, 0.0022%; no homozygotes.

Submissions (2):

Ambry Genetics
Classification: Uncertain significance for Inborn genetic diseases. Last evaluated: 2025-02-07. Review status: criteria provided, single submitter. Criteria: Ambry Variant Classification Scheme 2023. Collection method: clinical testing. Allele origin: germline.

Juno Genomics, Hangzhou Juno Genomics, Inc
Classification: Uncertain significance for Autosomal recessive congenital ichthyosis 1. Review status: criteria provided, single submitter. Criteria: ACMG Guidelines, 2015. Collection method: clinical testing. Allele origin: germline.
Comment: Absent from controls (or at extremely low frequency if recessive) in Genome Aggregation Database.;Multiple lines of computational evidence support a deleterious effect on the gene or gene product.

NM_000359.3(TGM1):c.1218C>G (p.Asp406Glu)

Gene: TGM1 (transglutaminase 1; minus strand). Cytogenetic location: 14q12.
Variant type: single nucleotide variant.
Coding change: c.1218C>G on transcript NM_000359.3 (MANE Select); coding-DNA position 1218, C replaced by G.
Protein change: p.Asp406Glu; replaces aspartic acid 406 with glutamic acid.
Molecular consequence: missense variant.
Genome position (GRCh38, 1-based): chr14:24,258,615, G>C on the plus strand (C>G on the coding strand, the complement: TGM1 is on the minus strand). VCF-style: chr14-24258615-G-C. GRCh37 (hg19) VCF-style: chr14-24727821-G-C.
Other names: short protein forms D406E.
Identifiers: ClinVar variation 3806463 (VCV003806463.3).